The following is an entry in ClinVar:

ClinVar aggregate classification (germline): Uncertain significance (1 of 4 stars; one submission).

gnomAD v4.1: 1 of 1,612,066 alleles (0.000062%); highest among the groups gnomAD compares: African/African-American, 0.0013%; no homozygotes.

Submission:

Labcorp Genetics (formerly Invitae), Labcorp
Classification: Uncertain significance. Last evaluated: 2025-02-19. Review status: criteria provided, single submitter. Criteria: Invitae Variant Classification Sherloc (09022015). Collection method: clinical testing. Allele origin: germline.
Comment: This sequence change replaces glycine, which is neutral and non-polar, with aspartic acid, which is acidic and polar, at codon 1206 of the LTBP2 protein (p.Gly1206Asp). The frequency data for this variant in the population databases is considered unreliable, as metrics indicate poor data quality at this position in the gnomAD database. This variant has not been reported in the literature in individuals affected with LTBP2-related conditions. An algorithm developed to predict the effect of missense changes on protein structure and function (PolyPhen-2) suggests that this variant is likely to be disruptive. In summary, the available evidence is currently insufficient to determine the role of this variant in disease. Therefore, it has been classified as a Variant of Uncertain Significance.

NM_000428.3(LTBP2):c.3617G>A (p.Gly1206Asp)

Gene: LTBP2 (latent transforming growth factor beta binding protein 2; minus strand). Cytogenetic location: 14q24.3.
Variant type: single nucleotide variant.
Coding change: c.3617G>A on transcript NM_000428.3 (MANE Select); coding-DNA position 3617, G replaced by A.
Protein change: p.Gly1206Asp; replaces glycine 1206 with aspartic acid.
Molecular consequence: missense variant.
Genome position (GRCh38, 1-based): chr14:74,508,639, C>T on the plus strand (G>A on the coding strand, the complement: LTBP2 is on the minus strand). VCF-style: chr14-74508639-C-T. GRCh37 (hg19) VCF-style: chr14-74975342-C-T.
Other names: short protein forms G1206D.
Identifiers: ClinVar variation 3620712 (VCV003620712.2).